The following is an entry in ClinVar:

NM_000836.4(GRIN2D):c.1312G>A (p.Glu438Lys)

Gene: GRIN2D (glutamate ionotropic receptor NMDA type subunit 2D; plus strand). Cytogenetic location: 19q13.33.
Variant type: single nucleotide variant.
Coding change: c.1312G>A on transcript NM_000836.4 (MANE Select); coding-DNA position 1312, G replaced by A.
Protein change: p.Glu438Lys; replaces glutamic acid 438 with lysine.
Molecular consequence: missense variant.
Genome position (GRCh38, 1-based): chr19:48,414,484, G>A. VCF-style: chr19-48414484-G-A. GRCh37 (hg19) VCF-style: chr19-48917741-G-A.
Other names: short protein forms E438K.
Identifiers: ClinVar variation 4744727 (VCV004744727.1).

ClinVar aggregate classification (germline): Uncertain significance (1 of 4 stars; one submission).

Submission:

Labcorp Genetics (formerly Invitae), Labcorp
Classification: Uncertain significance. Last evaluated: 2025-01-27. Review status: criteria provided, single submitter. Criteria: Invitae Variant Classification Sherloc (09022015). Collection method: clinical testing. Allele origin: germline.
Comment: This sequence change replaces glutamic acid, which is acidic and polar, with lysine, which is basic and polar, at codon 438 of the GRIN2D protein (p.Glu438Lys). This variant is not present in population databases (gnomAD no frequency). This variant has not been reported in the literature in individuals affected with GRIN2D-related conditions. Invitae Evidence Modeling of protein sequence and biophysical properties (such as structural, functional, and spatial information, amino acid conservation, physicochemical variation, residue mobility, and thermodynamic stability) indicates that this missense variant is not expected to disrupt GRIN2D protein function with a negative predictive value of 80%. In summary, the available evidence is currently insufficient to determine the role of this variant in disease. Therefore, it has been classified as a Variant of Uncertain Significance.